The following is an entry in ClinVar:

NM_001197104.2(KMT2A):c.9891G>C (p.Met3297Ile)

Gene: KMT2A (lysine methyltransferase 2A; plus strand). Cytogenetic location: 11q23.3.
Variant type: single nucleotide variant.
Coding change: c.9891G>C on transcript NM_001197104.2 (MANE Select); coding-DNA position 9891, G replaced by C.
Protein change: p.Met3297Ile; replaces methionine 3297 with isoleucine.
Molecular consequence: missense variant.
Genome position (GRCh38, 1-based): chr11:118,505,783, G>C. VCF-style: chr11-118505783-G-C. GRCh37 (hg19) VCF-style: chr11-118376498-G-C.
Other names: c.9981G>C, p.Met3327Ile (NM_001412597.1); c.9882G>C, p.Met3294Ile (NM_005933.4); short protein forms M3294I, M3297I, M3327I.
Identifiers: ClinVar variation 4800580 (VCV004800580.1).

ClinVar aggregate classification (germline): Uncertain significance (1 of 4 stars; one submission).

Submission:

Labcorp Genetics (formerly Invitae), Labcorp
Classification: Uncertain significance. Last evaluated: 2026-01-03. Review status: criteria provided, single submitter. Criteria: Invitae Variant Classification Sherloc (09022015). Collection method: clinical testing. Allele origin: germline.
Comment: This sequence change replaces methionine, which is neutral and non-polar, with isoleucine, which is neutral and non-polar, at codon 3297 of the KMT2A protein (p.Met3297Ile). This variant is not present in population databases (gnomAD no frequency). This variant has not been reported in the literature in individuals affected with KMT2A-related conditions. Invitae Evidence Modeling of protein sequence and biophysical properties (such as structural, functional, and spatial information, amino acid conservation, physicochemical variation, residue mobility, and thermodynamic stability) indicates that this missense variant is not expected to disrupt KMT2A protein function with a negative predictive value of 95%. In summary, the available evidence is currently insufficient to determine the role of this variant in disease. Therefore, it has been classified as a Variant of Uncertain Significance.